The following is an entry in ClinVar:

NM_001625.4(AK2):c.179T>A (p.Leu60Gln)

Gene: AK2 (adenylate kinase 2; minus strand). Cytogenetic location: 1p35.1.
Variant type: single nucleotide variant.
Coding change: c.179T>A on transcript NM_001625.4 (MANE Select); coding-DNA position 179, T replaced by A.
Protein change: p.Leu60Gln; replaces leucine 60 with glutamine.
Molecular consequence: missense variant. On other transcripts: non-coding transcript variant (1), intron variant (1).
Genome position (GRCh38, 1-based): chr1:33,024,482, A>T on the plus strand (T>A on the coding strand, the complement: AK2 is on the minus strand). VCF-style: chr1-33024482-A-T. GRCh37 (hg19) VCF-style: chr1-33490083-A-T.
Other names: c.179T>A, p.Leu60Gln (NM_001199199.3, NM_001319141.3, NM_001319143.2 and 1 more transcripts); c.35T>A, p.Leu12Gln (NM_001319139.3, NM_001319140.2); c.94-2779T>A (NM_001319142.3); short protein forms L12Q, L60Q.
Identifiers: ClinVar variation 1057871 (VCV001057871.9), dbSNP rs2124345322, ClinGen allele CA339702848.

ClinVar aggregate classification (germline): Uncertain significance (1 of 4 stars; one submission).

Conditions:
Reticular dysgenesis. Also called: ALEUKOCYTOSIS; CONGENITAL ALEUKIA; HEMATOPOIETIC HYPOPLASIA, GENERALIZED; RETICULAR DYSGENESIA; SEVERE COMBINED IMMUNODEFICIENCY WITH LEUKOPENIA; DeVaal disease. Identifiers: Orphanet 33355, MedGen C0272167, MONDO:0009973, OMIM 267500.

Submission:

Labcorp Genetics (formerly Invitae), Labcorp
Classification: Uncertain significance for Reticular dysgenesis. Last evaluated: 2020-08-29. Review status: criteria provided, single submitter. Criteria: Invitae Variant Classification Sherloc (09022015). Collection method: clinical testing. Allele origin: germline.
Comment: This sequence change replaces leucine with glutamine at codon 60 of the AK2 protein (p.Leu60Gln). The leucine residue is highly conserved and there is a moderate physicochemical difference between leucine and glutamine. In summary, the available evidence is currently insufficient to determine the role of this variant in disease. Therefore, it has been classified as a Variant of Uncertain Significance. Algorithms developed to predict the effect of missense changes on protein structure and function (SIFT, PolyPhen-2, Align-GVGD) all suggest that this variant is likely to be disruptive, but these predictions have not been confirmed by published functional studies and their clinical significance is uncertain. This variant has not been reported in the literature in individuals with AK2-related conditions. This variant is not present in population databases (ExAC no frequency).